The following is an entry in ClinVar:

ClinVar aggregate classification (germline): Uncertain significance (1 of 4 stars; one submission).

Conditions:
Sialuria. Also called: SIALURIA, FRENCH TYPE; Sialic Acid Storage Disease. Identifiers: Orphanet 3166, MedGen C0342853, MONDO:0010028, OMIM 269921.
GNE myopathy (NM). Also called: NONAKA DISTAL MYOPATHY; INCLUSION BODY MYOPATHY, HEREDITARY, AUTOSOMAL RECESSIVE; IBM 2; Inclusion body myopathy autosomal recessive; Inclusion body myopathy quadriceps sparing; INCLUSION BODY MYOPATHY 2, AUTOSOMAL RECESSIVE. Identifiers: Orphanet 602, MedGen C1853926, MONDO:0011603, OMIM 605820.

Submission:

Labcorp Genetics (formerly Invitae), Labcorp
Classification: Uncertain significance for Sialuria; GNE myopathy. Last evaluated: 2024-04-08. Review status: criteria provided, single submitter. Criteria: Invitae Variant Classification Sherloc (09022015). Collection method: clinical testing. Allele origin: germline.
Comment: This sequence change replaces glycine, which is neutral and non-polar, with serine, which is neutral and polar, at codon 502 of the GNE protein (p.Gly502Ser). This variant also falls at the last nucleotide of exon 8, which is part of the consensus splice site for this exon. This variant is not present in population databases (gnomAD no frequency). This variant has not been reported in the literature in individuals affected with GNE-related conditions. ClinVar contains an entry for this variant (Variation ID: 1389211). An algorithm developed to predict the effect of missense changes on protein structure and function (PolyPhen-2) suggests that this variant is likely to be disruptive. Variants that disrupt the consensus splice site are a relatively common cause of aberrant splicing (PMID: 17576681, 9536098). Algorithms developed to predict the effect of sequence changes on RNA splicing suggest that this variant may disrupt the consensus splice site. In summary, the available evidence is currently insufficient to determine the role of this variant in disease. Therefore, it has been classified as a Variant of Uncertain Significance.

Literature cited by the submitters: PubMed 17576681; PubMed 9536098.

NM_005476.7(GNE):c.1411G>A (p.Gly471Ser)

Gene: GNE (glucosamine (UDP-N-acetyl)-2-epimerase/N-acetylmannosamine kinase; minus strand). Cytogenetic location: 9p13.3.
Variant type: single nucleotide variant.
Coding change: c.1411G>A on transcript NM_005476.7 (MANE Select); coding-DNA position 1411, G replaced by A.
Protein change: p.Gly471Ser; replaces glycine 471 with serine.
Molecular consequence: missense variant.
Genome position (GRCh38, 1-based): chr9:36,223,373, C>T on the plus strand (G>A on the coding strand, the complement: GNE is on the minus strand). VCF-style: chr9-36223373-C-T. GRCh37 (hg19) VCF-style: chr9-36223370-C-T.
Other names: c.1504G>A, p.Gly502Ser (NM_001128227.3); c.1411G>A, p.Gly471Arg (NM_001190383.3); c.1081G>A, p.Gly361Ser (NM_001190384.3); c.1234G>A, p.Gly412Ser (NM_001190388.2, NM_001374798.1); c.1258G>A, p.Gly420Ser (NM_001374797.1); short protein forms G361S, G412S, G420S, G502S, G471S, G471R.
Identifiers: ClinVar variation 1389211 (VCV001389211.8), dbSNP rs2133023974, ClinGen allele CA373427073.